The following is an entry in ClinVar:

ClinVar aggregate classification (germline): Uncertain significance (1 of 4 stars; one submission).

Conditions:
Gastrointestinal stromal tumor. Also called: Gastrointestinal stromal tumor, somatic; Gastrointestinal stroma tumor. Identifiers: Orphanet 44890, MedGen C0238198, MeSH D046152, MONDO:0011719, OMIM 606764, HP:0100723.

Submission:

Labcorp Genetics (formerly Invitae), Labcorp
Classification: Uncertain significance for Gastrointestinal stromal tumor. Last evaluated: 2023-06-14. Review status: criteria provided, single submitter. Criteria: Invitae Variant Classification Sherloc (09022015). Collection method: clinical testing. Allele origin: germline.
Comment: Variants that disrupt the consensus splice site are a relatively common cause of aberrant splicing (PMID: 17576681, 9536098). Algorithms developed to predict the effect of sequence changes on RNA splicing suggest that this variant may disrupt the consensus splice site. In summary, the available evidence is currently insufficient to determine the role of this variant in disease. Therefore, it has been classified as a Variant of Uncertain Significance. This sequence change replaces glutamic acid, which is acidic and polar, with lysine, which is basic and polar, at codon 514 of the KIT protein (p.Glu514Lys). This variant also falls at the last nucleotide of exon 9, which is part of the consensus splice site for this exon. This variant is not present in population databases (gnomAD no frequency). This variant has not been reported in the literature in individuals affected with KIT-related conditions. An algorithm developed to predict the effect of missense changes on protein structure and function (PolyPhen-2) suggests that this variant is likely to be tolerated.

Literature cited by the submitters: PubMed 17576681; PubMed 9536098.

NM_000222.3(KIT):c.1540G>A (p.Glu514Lys)

Gene: KIT (KIT proto-oncogene, receptor tyrosine kinase; plus strand). Cytogenetic location: 4q12.
Variant type: single nucleotide variant.
Coding change: c.1540G>A on transcript NM_000222.3 (MANE Select); coding-DNA position 1540, G replaced by A.
Protein change: p.Glu514Lys; replaces glutamic acid 514 with lysine.
Molecular consequence: missense variant. On other transcripts: intron variant (4).
Genome position (GRCh38, 1-based): chr4:54,726,050, G>A. VCF-style: chr4-54726050-G-A. GRCh37 (hg19) VCF-style: chr4-55592216-G-A.
Other names: c.1543G>A, p.Glu515Lys (NM_001385284.1, NM_001385290.1); c.1540G>A, p.Glu514Lys (NM_001385285.1); c.1531+12G>A (NM_001385288.1, NM_001385292.1); c.1528+12G>A (NM_001093772.2, NM_001385286.1); short protein forms E514K, E515K.
Identifiers: ClinVar variation 2786597 (VCV002786597.3), dbSNP rs1553891472, ClinGen allele CA356906764.